The following is an entry in ClinVar:

ClinVar aggregate classification (germline): Uncertain significance (1 of 4 stars; one submission).

Conditions:
Developmental and epileptic encephalopathy, 34 (DEE34). Also called: SLC12A5-Related Epilepsy of Infancy with Migrating Focal Seizures; Early infantile epileptic encephalopathy 34. Identifiers: Orphanet 293181, MedGen C4225257, MONDO:0014718, OMIM 616645.

Allele frequency attached by ClinVar (database versions not stated): gnomAD exomes below 0.00001.
gnomAD v4.1: 2 of 1,596,404 alleles (0.00013%); highest among the groups gnomAD compares: Non-Finnish European, 0.00017%; no homozygotes.

Submission:

Labcorp Genetics (formerly Invitae), Labcorp
Classification: Uncertain significance for Developmental and epileptic encephalopathy, 34. Last evaluated: 2023-08-04. Review status: criteria provided, single submitter. Criteria: Invitae Variant Classification Sherloc (09022015). Collection method: clinical testing. Allele origin: germline.
Comment: This variant has not been reported in the literature in individuals affected with SLC12A5-related conditions. This variant is present in population databases (no rsID available, gnomAD 0.0009%). This sequence change replaces valine, which is neutral and non-polar, with alanine, which is neutral and non-polar, at codon 92 of the SLC12A5 protein (p.Val92Ala). In summary, the available evidence is currently insufficient to determine the role of this variant in disease. Therefore, it has been classified as a Variant of Uncertain Significance. Advanced modeling of protein sequence and biophysical properties (such as structural, functional, and spatial information, amino acid conservation, physicochemical variation, residue mobility, and thermodynamic stability) performed at Invitae indicates that this missense variant is not expected to disrupt SLC12A5 protein function. ClinVar contains an entry for this variant (Variation ID: 2037679).

NM_020708.5(SLC12A5):c.275T>C (p.Val92Ala)

Gene: SLC12A5 (solute carrier family 12 member 5; plus strand). Cytogenetic location: 20q13.12.
Variant type: single nucleotide variant.
Coding change: c.275T>C on transcript NM_020708.5 (MANE Select); coding-DNA position 275, T replaced by C.
Protein change: p.Val92Ala; replaces valine 92 with alanine.
Molecular consequence: missense variant.
Genome position (GRCh38, 1-based): chr20:46,035,531, T>C. VCF-style: chr20-46035531-T-C. GRCh37 (hg19) VCF-style: chr20-44664170-T-C.
Other names: c.344T>C, p.Val115Ala (NM_001134771.2); short protein forms V92A, V115A.
Identifiers: ClinVar variation 2037679 (VCV002037679.2), dbSNP rs1384828234, ClinGen allele CA409187450.